The following is an entry in ClinVar:

ClinVar aggregate classification (germline): Uncertain significance (1 of 4 stars; one submission).

gnomAD v4.1: 8 of 1,613,882 alleles (0.0005%); highest among the groups gnomAD compares: Admixed American, 0.0017%; no homozygotes.

Submission:

GeneDx
Classification: Uncertain significance. Last evaluated: 2023-10-25. Review status: criteria provided, single submitter. Criteria: GeneDx Variant Classification Process June 2021. Collection method: clinical testing. Allele origin: germline. Affected: yes.
Comment: In silico analysis supports that this missense variant has a deleterious effect on protein structure/function; Has not been previously published as pathogenic or benign to our knowledge

NM_003719.5(PDE8B):c.1703C>T (p.Thr568Met)

Gene: PDE8B (phosphodiesterase 8B; plus strand). Cytogenetic location: 5q13.3.
Variant type: single nucleotide variant.
Coding change: c.1703C>T on transcript NM_003719.5 (MANE Select); coding-DNA position 1703, C replaced by T.
Protein change: p.Thr568Met; replaces threonine 568 with methionine.
Molecular consequence: missense variant.
Genome position (GRCh38, 1-based): chr5:77,412,226, C>T. VCF-style: chr5-77412226-C-T. GRCh37 (hg19) VCF-style: chr5-76708051-C-T.
Other names: c.1412C>T, p.Thr471Met (NM_001029851.4); c.1538C>T, p.Thr513Met (NM_001029852.4); c.1643C>T, p.Thr548Met (NM_001029853.4); c.1562C>T, p.Thr521Met (NM_001029854.4); c.1700C>T, p.Thr567Met (NM_001349748.3, NM_001349751.3); c.1766C>T, p.Thr589Met (NM_001349749.3); c.1463C>T, p.Thr488Met (NM_001349750.3); c.1397C>T, p.Thr466Met (NM_001349752.3); and 12 more; short protein forms T347M, T350M, T370M, T419M, T420M, T440M, T444M, T447M.
Identifiers: ClinVar variation 3366239 (VCV003366239.1).
Genomic context (GRCh38, chr5:77,412,226, plus strand): 5'-CTCAATTACTTGATAATGAGGAGAGTTGGGACTTCAACATCTTTGAATTGGAAGCCATTA[C>T]GCATAAAAGGTATGTGACTTCTCTGGCTGAAGGCAGAGCAGGATTGATGGCCATGCTCAA-3'
Protein context (NP_003710.1, residues 558-578): DFNIFELEAI[Thr568Met]HKRPLVYLGL